The following is an entry in ClinVar:

NM_003998.4(NFKB1):c.836-2A>C

Gene: NFKB1 (nuclear factor kappa B subunit 1; plus strand). Cytogenetic location: 4q24.
Variant type: single nucleotide variant.
Coding change: c.836-2A>C on transcript NM_003998.4 (MANE Select); the canonical splice acceptor site of the intron before coding-DNA position 836, A replaced by C.
Molecular consequence: splice acceptor variant.
Genome position (GRCh38, 1-based): chr4:102,582,864, A>C. VCF-style: chr4-102582864-A-C. GRCh37 (hg19) VCF-style: chr4-103504021-A-C.
Other names: c.836-2A>C (NM_001382626.1, NM_001382625.1); c.833-2A>C (NM_001382627.1, NM_001165412.2, NM_001319226.2); c.794-2A>C (NM_001382628.1).
Identifiers: ClinVar variation 2717626 (VCV002717626.3), dbSNP rs2476435464, ClinGen allele CA357960380.
Genomic context (GRCh38, chr4:102,582,864, plus strand): 5'-GCATGTTTATAAATACTATTTACACTATGTGAAATTACACACTTCAATGTGATTGTTTGC[A>C]GATGACATCCAGATTCGATTTTATGAAGAGGAAGAAAATGGTGGAGTCTGGGAAGGATTT-3'

ClinVar aggregate classification (germline): Likely pathogenic (1 of 4 stars; one submission).

Submission:

Labcorp Genetics (formerly Invitae), Labcorp
Classification: Likely pathogenic. Last evaluated: 2023-06-16. Review status: criteria provided, single submitter. Criteria: Invitae Variant Classification Sherloc (09022015). Collection method: clinical testing. Allele origin: germline.
Comment: Algorithms developed to predict the effect of sequence changes on RNA splicing suggest that this variant may disrupt the consensus splice site. In summary, the currently available evidence indicates that the variant is pathogenic, but additional data are needed to prove that conclusively. Therefore, this variant has been classified as Likely Pathogenic. This variant has not been reported in the literature in individuals affected with NFKB1-related conditions. This variant is not present in population databases (gnomAD no frequency). This sequence change affects an acceptor splice site in intron 9 of the NFKB1 gene. It is expected to disrupt RNA splicing. Variants that disrupt the donor or acceptor splice site typically lead to a loss of protein function (PMID: 16199547), and loss-of-function variants in NFKB1 are known to be pathogenic (PMID: 26279205, 29477724).

Literature cited by the submitters: PubMed 16199547; PubMed 26279205; PubMed 29477724.